The following is an entry in ClinVar:

ClinVar aggregate classification (germline): Uncertain significance (1 of 4 stars; one submission).

Submission:

Labcorp Genetics (formerly Invitae), Labcorp
Classification: Uncertain significance. Last evaluated: 2022-02-22. Review status: criteria provided, single submitter. Criteria: Invitae Variant Classification Sherloc (09022015). Collection method: clinical testing. Allele origin: germline.
Comment: In summary, the available evidence is currently insufficient to determine the role of this variant in disease. Therefore, it has been classified as a Variant of Uncertain Significance. Advanced modeling of protein sequence and biophysical properties (such as structural, functional, and spatial information, amino acid conservation, physicochemical variation, residue mobility, and thermodynamic stability) performed at Invitae indicates that this missense variant is expected to disrupt AARS2 protein function. This variant has not been reported in the literature in individuals affected with AARS2-related conditions. This variant is not present in population databases (gnomAD no frequency). This sequence change replaces glycine, which is neutral and non-polar, with valine, which is neutral and non-polar, at codon 310 of the AARS2 protein (p.Gly310Val).

NM_020745.4(AARS2):c.929G>T (p.Gly310Val)

Gene: AARS2 (alanyl-tRNA synthetase 2, mitochondrial; minus strand). Cytogenetic location: 6p21.1.
Variant type: single nucleotide variant.
Coding change: c.929G>T on transcript NM_020745.4 (MANE Select); coding-DNA position 929, G replaced by T.
Protein change: p.Gly310Val; replaces glycine 310 with valine.
Molecular consequence: missense variant.
Genome position (GRCh38, 1-based): chr6:44,307,360, C>A on the plus strand (G>T on the coding strand, the complement: AARS2 is on the minus strand). VCF-style: chr6-44307360-C-A. GRCh37 (hg19) VCF-style: chr6-44275097-C-A.
Other names: short protein forms G310V.
Identifiers: ClinVar variation 2102109 (VCV002102109.4), dbSNP rs2534691796, ClinGen allele CA364340343.